The following is an entry in ClinVar:

NM_000712.4(BLVRA):c.505G>A (p.Gly169Ser)

Gene: BLVRA (biliverdin reductase A; plus strand). Cytogenetic location: 7p13.
Variant type: single nucleotide variant.
Coding change: c.505G>A on transcript NM_000712.4 (MANE Select); coding-DNA position 505, G replaced by A.
Protein change: p.Gly169Ser; replaces glycine 169 with serine.
Molecular consequence: missense variant.
Genome position (GRCh38, 1-based): chr7:43,803,720, G>A. VCF-style: chr7-43803720-G-A. GRCh37 (hg19) VCF-style: chr7-43843319-G-A.
Other names: c.505G>A, p.Gly169Ser (NM_001253823.2); short protein forms G169S.
Identifiers: ClinVar variation 2334267 (VCV002334267.3), dbSNP rs1016829826, ClinGen allele CA156967446.

ClinVar aggregate classification (germline): Uncertain significance. Review status: criteria provided, multiple submitters, no conflicts (2 of 4 stars). 2 submissions from 2 submitters: Uncertain significance (2). Last evaluated 2025-04-04.

Conditions:
BLVRA-related disorder. Also called: BLVRA-related condition.

Allele frequency attached by ClinVar (database versions not stated): gnomAD 0.00001; gnomAD exomes 0.00001; TOPMed 0.00002.
gnomAD v4.1: 11 of 1,613,790 alleles (0.00068%); highest among the groups gnomAD compares: South Asian, 0.0011%; no homozygotes.

Submissions (2):

PreventionGenetics, part of Exact Sciences
Classification: Uncertain significance for BLVRA-related condition. Last evaluated: 2025-04-04. Review status: criteria provided, single submitter. Criteria: ACMG Guidelines, 2015. Collection method: clinical testing. Allele origin: germline.
Comment: The BLVRA c.505G>A variant is predicted to result in the amino acid substitution p.Gly169Ser. To our knowledge, this variant has not been reported in the literature. This variant is absent in gnomAD v2; however, in gnomAD v4 (available only on GRCh38), this variant is reported in 0.0008% of alleles in individuals of European (non-Finnish) descent in gnomAD. At this time, the clinical significance of this variant is uncertain due to the absence of conclusive functional and genetic evidence.

Ambry Genetics
Classification: Uncertain significance. Last evaluated: 2022-12-13. Review status: criteria provided, single submitter. Criteria: Ambry Variant Classification Scheme 2023. Collection method: clinical testing. Allele origin: germline.